The following is an entry in ClinVar:

ClinVar aggregate classification (germline): Uncertain significance (1 of 4 stars; one submission).

Conditions:
Charcot-Marie-Tooth disease type 4. Also called: Charcot-Marie-Tooth disease, type IV; Charcot-Marie-Tooth, Type 4. Identifiers: Orphanet 64749, MedGen C4082197, MONDO:0018995.

Submission:

Labcorp Genetics (formerly Invitae), Labcorp
Classification: Uncertain significance for Charcot-Marie-Tooth disease type 4. Last evaluated: 2024-02-24. Review status: criteria provided, single submitter. Criteria: Invitae Variant Classification Sherloc (09022015). Collection method: clinical testing. Allele origin: germline.
Comment: This sequence change replaces leucine, which is neutral and non-polar, with phenylalanine, which is neutral and non-polar, at codon 729 of the PRX protein (p.Leu729Phe). This variant is not present in population databases (gnomAD no frequency). This variant has not been reported in the literature in individuals affected with PRX-related conditions. ClinVar contains an entry for this variant (Variation ID: 856327). Advanced modeling of protein sequence and biophysical properties (such as structural, functional, and spatial information, amino acid conservation, physicochemical variation, residue mobility, and thermodynamic stability) performed at Invitae indicates that this missense variant is not expected to disrupt PRX protein function with a negative predictive value of 80%. In summary, the available evidence is currently insufficient to determine the role of this variant in disease. Therefore, it has been classified as a Variant of Uncertain Significance.

NM_181882.3(PRX):c.2185C>T (p.Leu729Phe)

Gene: PRX (periaxin; minus strand). Cytogenetic location: 19q13.2.
Variant type: single nucleotide variant.
Coding change: c.2185C>T on transcript NM_181882.3 (MANE Select); coding-DNA position 2185, C replaced by T.
Protein change: p.Leu729Phe; replaces leucine 729 with phenylalanine.
Molecular consequence: missense variant. On other transcripts: 3 prime UTR variant (1).
Genome position (GRCh38, 1-based): chr19:40,396,167, G>A on the plus strand (C>T on the coding strand, the complement: PRX is on the minus strand). VCF-style: chr19-40396167-G-A. GRCh37 (hg19) VCF-style: chr19-40902074-G-A.
Other names: c.*2390C>T (NM_020956.2); short protein forms L729F.
Identifiers: ClinVar variation 856327 (VCV000856327.9), dbSNP rs2079433471, ClinGen allele CA405896815.